The following is an entry in ClinVar:

ClinVar aggregate classification (germline): Likely benign (0 of 4 stars; one submission).

Conditions:
FLNB-related disorder. Also called: FLNB-related disorders; FLNB-related condition. Identifiers: MedGen CN381095.

Submission:

PreventionGenetics, part of Exact Sciences
Classification: Likely benign for FLNB-related condition. Last evaluated: 2019-02-28. Review status: no assertion criteria provided. Collection method: clinical testing. Allele origin: germline.
Comment: This variant is classified as likely benign based on ACMG/AMP sequence variant interpretation guidelines (Richards et al. 2015 PMID: 25741868, with internal and published modifications).

NM_001457.4(FLNB):c.3724+9C>A

Gene: FLNB (filamin B; plus strand). Cytogenetic location: 3p14.3.
Variant type: single nucleotide variant.
Coding change: c.3724+9C>A on transcript NM_001457.4 (MANE Select); 9 bases into the intron after coding-DNA position 3724, C replaced by A.
Molecular consequence: intron variant.
Genome position (GRCh38, 1-based): chr3:58,123,699, C>A. VCF-style: chr3-58123699-C-A. GRCh37 (hg19) VCF-style: chr3-58109426-C-A.
Other names: c.3724+9C>A (NM_001164317.2, NM_001164318.2, NM_001164319.2).
Identifiers: ClinVar variation 3044762 (VCV003044762.2), dbSNP rs771564444, ClinGen allele CA1048378076.
Genomic context (GRCh38, chr3:58,123,699, plus strand): 5'-GCCGTGGACACCAGCAGGATCAAAGTCTTTGGACCAGGAATAGAAGGGAAAGGTGGGTTT[C>A]ATTTAAAAAAAAAAAAAAAAAAAAAAAGACAAGCTGGGACTTAAGGGCTACCTGAAACTT-3'